The following is an entry in ClinVar:

NM_001278116.2(L1CAM):c.1533C>A (p.Asn511Lys)

Gene: L1CAM (L1 cell adhesion molecule; minus strand). Cytogenetic location: Xq28.
Variant type: single nucleotide variant.
Coding change: c.1533C>A on transcript NM_001278116.2 (MANE Select); coding-DNA position 1533, C replaced by A.
Protein change: p.Asn511Lys; replaces asparagine 511 with lysine.
Molecular consequence: missense variant.
Genome position (GRCh38, 1-based): chrX:153,868,574, G>T on the plus strand (C>A on the coding strand, the complement: L1CAM is on the minus strand). VCF-style: chrX-153868574-G-T. GRCh37 (hg19) VCF-style: chrX-153134029-G-T.
Other names: c.1533C>A, p.Asn511Lys (NM_000425.5, NM_024003.3); c.1518C>A, p.Asn506Lys (NM_001143963.2); short protein forms N506K, N511K.
Identifiers: ClinVar variation 2637688 (VCV002637688.1), dbSNP rs782602312, ClinGen allele CA10554355.

ClinVar aggregate classification (germline): Uncertain significance (1 of 4 stars; one submission).

Allele frequency attached by ClinVar (database versions not stated): gnomAD 0.00001; TOPMed 0.00001.
gnomAD v4.1: 10 of 1,211,063 alleles (0.00083%); highest among the groups gnomAD compares: Non-Finnish European, 0.0011%; no homozygotes.

Submission:

Women's Health and Genetics/Laboratory Corporation of America, LabCorp
Classification: Uncertain significance. Last evaluated: 2023-10-12. Review status: criteria provided, single submitter. Criteria: LabCorp Variant Classification Summary - May 2015. Collection method: clinical testing. Allele origin: germline.
Comment: Variant summary: L1CAM c.1533C>A (p.Asn511Lys) results in a non-conservative amino acid change in the encoded protein sequence. Four of five in-silico tools predict a benign effect of the variant on protein function. The variant allele was found at a frequency of 1.1e-05 in 183456 control chromosomes. The available data on variant occurrences in the general population are insufficient to allow any conclusion about variant significance. To our knowledge, no occurrence of c.1533C>A in individuals affected with L1 Syndrome and no experimental evidence demonstrating its impact on protein function have been reported. No submitters have cited clinical-significance assessments for this variant to ClinVar after 2014. Based on the evidence outlined above, the variant was classified as uncertain significance.